The following is an entry in ClinVar:

ClinVar aggregate classification (germline): Pathogenic. Review status: criteria provided, multiple submitters, no conflicts (2 of 4 stars). 2 submissions from 2 submitters: Pathogenic (2). Last evaluated 2022-12-14.

Conditions:
X-linked Alport syndrome (ATS1). Also called: COL4A5-Related Nephropathy; NEPHROPATHY AND DEAFNESS, X-LINKED. Identifiers: Orphanet 63, Orphanet 88917, MedGen C4746986, MONDO:0010520, OMIM 301050.

Submissions (2):

Labcorp Genetics (formerly Invitae), Labcorp
Classification: Pathogenic. Last evaluated: 2022-12-14. Review status: criteria provided, single submitter. Criteria: Invitae Variant Classification Sherloc (09022015). Collection method: clinical testing. Allele origin: germline.
Comment: For these reasons, this variant has been classified as Pathogenic. ClinVar contains an entry for this variant (Variation ID: 24599). This premature translational stop signal has been observed in individual(s) with clinical features of Alport syndrome (PMID: 9848783). This variant is not present in population databases (gnomAD no frequency). This sequence change creates a premature translational stop signal (p.Gly1060*) in the COL4A5 gene. It is expected to result in an absent or disrupted protein product. Loss-of-function variants in COL4A5 are known to be pathogenic (PMID: 9195222, 10752524, 14514738, 24854265, 26809805).

Molecular Diagnostics Laboratory, M Health Fairview: University of Minnesota
Classification: Pathogenic for X-linked Alport syndrome. Last evaluated: 2017-10-18. Review status: criteria provided, single submitter. Criteria: ACMG Guidelines, 2015. Collection method: clinical testing. Allele origin: germline. Affected: yes. Observed: 1 variant allele.

Literature cited by the submitters: PubMed 9848783 (cited by Labcorp Genetics (formerly Invitae), Labcorp and Molecular Diagnostics Laboratory, M Health Fairview: University of Minnesota); PubMed 9195222 (cited by Labcorp Genetics (formerly Invitae), Labcorp); PubMed 10752524 (cited by Labcorp Genetics (formerly Invitae), Labcorp); PubMed 14514738 (cited by Labcorp Genetics (formerly Invitae), Labcorp); PubMed 24854265 (cited by Labcorp Genetics (formerly Invitae), Labcorp); PubMed 26809805 (cited by Labcorp Genetics (formerly Invitae), Labcorp).

NM_033380.3(COL4A5):c.3178G>T (p.Gly1060Ter)

Gene: COL4A5 (collagen type IV alpha 5 chain; plus strand). Cytogenetic location: Xq22.3.
Variant type: single nucleotide variant.
Coding change: c.3178G>T on transcript NM_033380.3 (MANE Select); coding-DNA position 3178, G replaced by T.
Protein change: p.Gly1060Ter; replaces glycine 1060 with a stop codon.
Molecular consequence: nonsense.
Genome position (GRCh38, 1-based): chrX:108,626,281, G>T. VCF-style: chrX-108626281-G-T. GRCh37 (hg19) VCF-style: chrX-107869511-G-T.
Other names: c.3178G>T, p.Gly1060Ter (NM_000495.5); short protein forms G1060*.
Identifiers: ClinVar variation 24599 (VCV000024599.11), dbSNP rs104886217, ClinGen allele CA258816.